The following is an entry in ClinVar:

NM_000260.4(MYO7A):c.6409G>A (p.Gly2137Arg)

Gene: MYO7A (myosin VIIA; plus strand). Cytogenetic location: 11q13.5.
Variant type: single nucleotide variant.
Coding change: c.6409G>A on transcript NM_000260.4 (MANE Select); coding-DNA position 6409, G replaced by A.
Protein change: p.Gly2137Arg; replaces glycine 2137 with arginine.
Molecular consequence: missense variant.
Genome position (GRCh38, 1-based): chr11:77,213,006, G>A. VCF-style: chr11-77213006-G-A. GRCh37 (hg19) VCF-style: chr11-76924051-G-A.
Other names: c.6289G>A, p.Gly2097Arg (NM_001127180.2); c.6262G>A, p.Gly2088Arg (NM_001369365.1); short protein forms G2137R, G2088R, G2097R.
Identifiers: ClinVar variation 931720 (VCV000931720.9), dbSNP rs1223784415, ClinGen allele CA381937582.
Genomic context (GRCh38, chr11:77,213,006, plus strand): 5'-TTCTAGCAAACTACGGAGCCAAACTTCCCTGAGATCCTCCTAATTGCCATCAACAAGTAT[G>A]GGGTCAGCCTCATCGATCCCAAAACGAAGGTGAGCAGGGATAAGGCAGCAAGTGGGGGCG-3'
Protein context (NP_000251.3, residues 2127-2147): EILLIAINKY[Gly2137Arg]VSLIDPKTKD

ClinVar aggregate classification (germline): Likely pathogenic. Review status: criteria provided, multiple submitters, no conflicts (2 of 4 stars). 3 submissions from 3 submitters: Likely pathogenic (3). Last evaluated 2021-10-20.

Conditions:
Retinal dystrophy. Also called: Inherited retinal dystrophy. Identifiers: Orphanet 71862, MedGen C0854723, MeSH D058499, MONDO:0019118, HP:0000556.
Autosomal dominant nonsyndromic hearing loss 11. Identifiers: Orphanet 90635, MedGen C1832475, MONDO:0011032, OMIM 601317.

Allele frequency attached by ClinVar (database versions not stated): gnomAD exomes below 0.00001; TOPMed 0.00001.
gnomAD v4.1: 2 of 1,590,436 alleles (0.00013%); highest among the groups gnomAD compares: Non-Finnish European, 0.000086%; no homozygotes.

Submissions (3):

Labcorp Genetics (formerly Invitae), Labcorp
Classification: Likely pathogenic. Last evaluated: 2021-10-20. Review status: criteria provided, single submitter. Criteria: Invitae Variant Classification Sherloc (09022015). Collection method: clinical testing. Allele origin: germline.
Comment: In summary, the currently available evidence indicates that the variant is pathogenic, but additional data are needed to prove that conclusively. Therefore, this variant has been classified as Likely Pathogenic. This variant disrupts the p.Gly2137 amino acid residue in MYO7A. Other variant(s) that disrupt this residue have been observed in individuals with MYO7A-related conditions (PMID: 9002678), which suggests that this may be a clinically significant amino acid residue. Advanced modeling of protein sequence and biophysical properties (such as structural, functional, and spatial information, amino acid conservation, physicochemical variation, residue mobility, and thermodynamic stability) performed at Invitae indicates that this missense variant is expected to disrupt MYO7A protein function. ClinVar contains an entry for this variant (Variation ID: 931720). This missense change has been observed in individual(s) with Usher syndrome (PMID: 28944237). In at least one individual the data is consistent with the variant being in trans (on the opposite chromosome) from a pathogenic variant. This variant is not present in population databases (ExAC no frequency). This sequence change replaces glycine with arginine at codon 2137 of the MYO7A protein (p.Gly2137Arg). The glycine residue is highly conserved and there is a moderate physicochemical difference between glycine and arginine.

Institute of Human Genetics, Univ. Regensburg, Univ. Regensburg
Classification: Likely pathogenic for Retinal dystrophy. Last evaluated: 2021-01-01. Review status: criteria provided, single submitter. Criteria: ACMG Guidelines, 2015. Collection method: clinical testing. Allele origin: germline. Affected: yes.

Centre for Mendelian Genomics, University Medical Centre Ljubljana
Classification: Likely pathogenic for Autosomal dominant nonsyndromic hearing loss 11. Last evaluated: 2019-09-16. Review status: criteria provided, single submitter. Criteria: ACMG Guidelines, 2015. Collection method: clinical testing. Allele origin: unknown. Affected: yes.
Comment: This variant was classified as: Likely pathogenic. The following ACMG criteria were applied in classifying this variant: PM1,PM2,PM5,PP3.

Literature cited by the submitters: PubMed 9002678 (cited by Labcorp Genetics (formerly Invitae), Labcorp); PubMed 28944237 (cited by Labcorp Genetics (formerly Invitae), Labcorp and Institute of Human Genetics, Univ. Regensburg, Univ. Regensburg).